The following is an entry in ClinVar:

ClinVar aggregate classification (germline): Pathogenic (1 of 4 stars; one submission).

Conditions:
GLUT1 deficiency syndrome 1, autosomal recessive. Identifiers: MedGen C3149117.

Submission:

Labcorp Genetics (formerly Invitae), Labcorp
Classification: Pathogenic for GLUT1 deficiency syndrome 1, autosomal recessive. Last evaluated: 2023-11-27. Review status: criteria provided, single submitter. Criteria: Invitae Variant Classification Sherloc (09022015). Collection method: clinical testing. Allele origin: germline.
Comment: This sequence change affects codon 419 of the SLC2A1 mRNA. It is a 'silent' change, meaning that it does not change the encoded amino acid sequence of the SLC2A1 protein. This variant is not present in population databases (gnomAD no frequency). This variant has been observed in individual(s) with clinical features of SLC2A1-related conditions (Invitae). In at least one individual the variant was observed to be de novo. ClinVar contains an entry for this variant (Variation ID: 578712). Algorithms developed to predict the effect of sequence changes on RNA splicing suggest that this variant may disrupt the consensus splice site. For these reasons, this variant has been classified as Pathogenic.

NM_006516.4(SLC2A1):c.1257C>T (p.Gly419=)

Gene: SLC2A1 (solute carrier family 2 member 1; minus strand). Cytogenetic location: 1p34.2.
Variant type: single nucleotide variant.
Coding change: c.1257C>T on transcript NM_006516.4 (MANE Select); coding-DNA position 1257, C replaced by T.
Protein change: p.Gly419=; no amino-acid change (glycine 419 retained).
Molecular consequence: synonymous variant.
Genome position (GRCh38, 1-based): chr1:42,927,626, G>A on the plus strand (C>T on the coding strand, the complement: SLC2A1 is on the minus strand). VCF-style: chr1-42927626-G-A. GRCh37 (hg19) VCF-style: chr1-43393297-G-A.
Identifiers: ClinVar variation 578712 (VCV000578712.11), dbSNP rs1557644989, ClinGen allele CA417406616.